The following is an entry in ClinVar:

NM_198075.4(LRRC56):c.770A>G (p.Lys257Arg)

Gene: LRRC56 (leucine rich repeat containing 56; plus strand). Cytogenetic location: 11p15.5.
Variant type: single nucleotide variant.
Coding change: c.770A>G on transcript NM_198075.4 (MANE Select); coding-DNA position 770, A replaced by G.
Protein change: p.Lys257Arg; replaces lysine 257 with arginine.
Molecular consequence: missense variant.
Genome position (GRCh38, 1-based): chr11:551,276, A>G. VCF-style: chr11-551276-A-G. GRCh37 (hg19) VCF-style: chr11-551276-A-G.
Other names: short protein forms K257R.
Identifiers: ClinVar variation 3868570 (VCV003868570.2).
Genomic context (GRCh38, chr11:551,276, plus strand): 5'-CAGGCCCACCGGCCCCCCCGCGGCTGAGCCAGGACTGGCTTGCGGTGAAGGAGGCCATCA[A>G]GAAGGGCAACGGCCTTCCCCCGCTGGGTACGGCAGCTGCGCCCGGAGGACCCACTGCTGA-3'
Protein context (NP_932341.1, residues 247-267): QDWLAVKEAI[Lys257Arg]KGNGLPPLDC

ClinVar aggregate classification (germline): Uncertain significance. Review status: criteria provided, multiple submitters, no conflicts (2 of 4 stars). 2 submissions from 2 submitters: Uncertain significance (2). Last evaluated 2025-09-25.

Submissions (2):

Labcorp Genetics (formerly Invitae), Labcorp
Classification: Uncertain significance. Last evaluated: 2025-09-25. Review status: criteria provided, single submitter. Criteria: Invitae Variant Classification Sherloc (09022015). Collection method: clinical testing. Allele origin: germline.
Comment: This sequence change replaces lysine, which is basic and polar, with arginine, which is basic and polar, at codon 257 of the LRRC56 protein (p.Lys257Arg). This variant is not present in population databases (gnomAD no frequency). This variant has not been reported in the literature in individuals affected with LRRC56-related conditions. ClinVar contains an entry for this variant (Variation ID: 3868570). Invitae Evidence Modeling of protein sequence and biophysical properties (such as structural, functional, and spatial information, amino acid conservation, physicochemical variation, residue mobility, and thermodynamic stability) indicates that this missense variant is not expected to disrupt LRRC56 protein function with a negative predictive value of 80%. In summary, the available evidence is currently insufficient to determine the role of this variant in disease. Therefore, it has been classified as a Variant of Uncertain Significance.

Ambry Genetics
Classification: Uncertain significance. Last evaluated: 2025-02-26. Review status: criteria provided, single submitter. Criteria: Ambry Variant Classification Scheme 2023. Collection method: clinical testing. Allele origin: germline.